The following is an entry in ClinVar:

NM_000500.9(CYP21A2):c.1064G>A (p.Arg355His)

Genes: CYP21A2 (cytochrome P450 family 21 subfamily A member 2; plus strand), LOC106780800 (CYP21A2 recombination region; plus strand). Cytogenetic location: 6p21.33.
Variant type: single nucleotide variant.
Coding change: c.1064G>A on transcript NM_000500.9 (MANE Select); coding-DNA position 1064, G replaced by A.
Protein change: p.Arg355His; replaces arginine 355 with histidine.
Molecular consequence: missense variant.
Genome position (GRCh38, 1-based): chr6:32,040,530, G>A. VCF-style: chr6-32040530-G-A. GRCh37 (hg19) VCF-style: chr6-32008307-G-A.
Other names: c.974G>A, p.Arg325His (NM_001128590.4); c.659G>A, p.Arg220His (NM_001368143.2, NM_001368144.2); c.1064G>A (NM_000500.7); short protein forms R220H, R325H, R355H.
Identifiers: ClinVar variation 2503931 (VCV002503931.1), dbSNP rs760216630, ClinGen allele CA3732625.

ClinVar aggregate classification (germline): Likely pathogenic (1 of 4 stars; one submission).

Conditions:
Congenital adrenal hyperplasia. Identifiers: Orphanet 418, MedGen C0001627, MONDO:0018479, HP:0008258.

Allele frequency attached by ClinVar (database versions not stated): TOPMed below 0.00001; ExAC 0.00001; 1000 Genomes Project 30x 0.00016.

Submission:

Women's Health and Genetics/Laboratory Corporation of America, LabCorp
Classification: Likely pathogenic for Congenital adrenal hyperplasia. Last evaluated: 2023-04-25. Review status: criteria provided, single submitter. Criteria: LabCorp Variant Classification Summary - May 2015. Collection method: clinical testing. Allele origin: germline.
Comment: Variant summary: CYP21A2 c.1064G>A (p.Arg355His) results in a non-conservative amino acid change in the encoded protein sequence. Four of five in-silico tools predict a damaging effect of the variant on protein function. The variant allele was found at a frequency of 4e-06 in 250562 control chromosomes. c.1064G>A has been reported in the literature as a compound heterozygous genotype in individuals affected with the salt wasting form of Congenital Adrenal Hyperplasia (example, Tardy_2010). These data indicate that the variant may be associated with disease. At least one publication reports experimental evidence evaluating an impact on protein function. The most pronounced variant effect results in <10% of normal CYP21A2 enzyme activity in vitro (example, Nunez_1999). The following publications have been ascertained in the context of this evaluation (PMID: 17042033, 24622265, 10364682, 10471376, 31333583, 36278220, 20080860). No clinical diagnostic laboratories have submitted clinical-significance assessments for this variant to ClinVar after 2014. Based on the evidence outlined above, the variant was classified as likely pathogenic.

Literature cited by the submitters: PubMed 10364682; PubMed 10471376; PubMed 17042033; PubMed 24622265; PubMed 31333583; PubMed 36278220; PubMed 20080860.